The following is an entry in ClinVar:

ClinVar aggregate classification (germline): Uncertain significance. Review status: criteria provided, multiple submitters, no conflicts (2 of 4 stars). 3 submissions from 3 submitters: Uncertain significance (3). Last evaluated 2024-11-13.

Conditions:
Charcot-Marie-Tooth disease type 2. Also called: Charcot-Marie-Tooth type 2. Identifiers: Orphanet 64746, MedGen C0270914, MONDO:0018993.
Cardiomyopathy (CMYO). Also called: Cardiomyopathies. Identifiers: Orphanet 167848, MedGen C0878544, MONDO:0004994, HP:0001638. Inheritance: Various modes of inheritance.
Primary dilated cardiomyopathy (DCM). Also called: Dilated Cardiomyopathy. Identifiers: Orphanet 217604, MedGen C0007193, MeSH D002311, MONDO:0005021, HP:0001644. Inheritance: Various modes of inheritance.

gnomAD v4.1: 10 of 1,613,500 alleles (0.00062%); highest among the groups gnomAD compares: South Asian, 0.011%; 2 homozygotes.

Submissions (3):

Labcorp Genetics (formerly Invitae), Labcorp
Classification: Uncertain significance for Charcot-Marie-Tooth disease type 2. Last evaluated: 2024-11-13. Review status: criteria provided, single submitter. Criteria: Invitae Variant Classification Sherloc (09022015). Collection method: clinical testing. Allele origin: germline.
Comment: This sequence change replaces serine, which is neutral and polar, with cysteine, which is neutral and slightly polar, at codon 625 of the LMNA protein (p.Ser625Cys). This variant is present in population databases (rs398124550, gnomAD 0.01%). This variant has not been reported in the literature in individuals affected with LMNA-related conditions. ClinVar contains an entry for this variant (Variation ID: 570722). Invitae Evidence Modeling of protein sequence and biophysical properties (such as structural, functional, and spatial information, amino acid conservation, physicochemical variation, residue mobility, and thermodynamic stability) indicates that this missense variant is expected to disrupt LMNA protein function with a positive predictive value of 95%. In summary, the available evidence is currently insufficient to determine the role of this variant in disease. Therefore, it has been classified as a Variant of Uncertain Significance.

All of Us Research Program, National Institutes of Health
Classification: Uncertain significance for Primary dilated cardiomyopathy. Last evaluated: 2023-07-10. Review status: criteria provided, single submitter. Criteria: ACMG Guidelines, 2015. Collection method: clinical testing. Allele origin: germline. Inheritance: Autosomal dominant inheritance. Observed: 1 variant allele, 1 heterozygote.
Comment: Variant of Uncertain Significance due to insufficient evidence: This missense variant replaces serine with cysteine at codon 625 of the lamin A protein. Computational prediction tools and conservation analyses are inconclusive regarding the impact of this variant on the protein function. Computational splicing tools suggest that this variant may not impact RNA splicing. An experimental study has suggested that the mutant protein assembles normally at the nuclear periphery but is associated with a compromise in cell cycle regulation (Thanumalayan et al., 2015). Clinical relevance of this observation is not known. This variant has been identified in 3/243748 chromosomes in the general population by the Genome Aggregation Database (gnomAD). Available evidence is insufficient to determine the role of this variant in disease conclusively.

This study involves interpretation of variants in research participants for the purpose of population health screening. Participant phenotype was not available at the time of variant classification. Additional details can be found in publication PMID: 35346344, PMCID: PMC8962531

Color Diagnostics, LLC DBA Color Health
Classification: Uncertain significance for Cardiomyopathy. Last evaluated: 2023-06-29. Review status: criteria provided, single submitter. Criteria: ACMG Guidelines, 2015. Collection method: clinical testing. Allele origin: germline.
Comment: This missense variant replaces serine with cysteine at codon 625 of the LMNA protein. Computational prediction suggests that this variant may not impact protein structure and function (internally defined REVEL score threshold <= 0.5, PMID: 27666373). An experimental study has suggested that the mutant protein assembles normally at the nuclear periphery but is associated with a compromise in cell cycle regulation (Thanumalayan et al., 2015). Clinical relevance of this observation is not known. This variant has been reported in an individual affected with dilated cardiomyopathy (Thanumalayan et al, 2015). This variant has been identified in 3/248596 chromosomes in the general population by the Genome Aggregation Database (gnomAD). The available evidence is insufficient to determine the role of this variant in disease conclusively. Therefore, this variant is classified as a Variant of Uncertain Significance.

NM_170707.4(LMNA):c.1873A>T (p.Ser625Cys)

Gene: LMNA (lamin A/C; plus strand). Cytogenetic location: 1q22.
Variant type: single nucleotide variant.
Coding change: c.1873A>T on transcript NM_170707.4 (MANE Select); coding-DNA position 1873, A replaced by T.
Protein change: p.Ser625Cys; replaces serine 625 with cysteine.
Molecular consequence: missense variant. On other transcripts: intron variant (1).
Genome position (GRCh38, 1-based): chr1:156,138,662, A>T. VCF-style: chr1-156138662-A-T. GRCh37 (hg19) VCF-style: chr1-156108453-A-T.
Other names: c.1537A>T, p.Ser513Cys (NM_001257374.3); c.1783A>T, p.Ser595Cys (NM_170708.4); c.1818+55A>T (NM_001282626.2); short protein forms S595C, S625C, S513C.
Identifiers: ClinVar variation 570722 (VCV000570722.14), dbSNP rs398124550, ClinGen allele CA051489.